The following is an entry in ClinVar:

NM_004527.4(MEOX1):c.393C>T (p.Gly131=)

Gene: MEOX1 (mesenchyme homeobox 1; minus strand). Cytogenetic location: 17q21.31.
Variant type: single nucleotide variant.
Coding change: c.393C>T on transcript NM_004527.4 (MANE Select); coding-DNA position 393, C replaced by T.
Protein change: p.Gly131=; no amino-acid change (glycine 131 retained).
Molecular consequence: synonymous variant.
Genome position (GRCh38, 1-based): chr17:43,661,142, G>A on the plus strand (C>T on the coding strand, the complement: MEOX1 is on the minus strand). VCF-style: chr17-43661142-G-A. GRCh37 (hg19) VCF-style: chr17-41738510-G-A.
Other names: c.393C>T, p.Gly131= (NM_013999.4); c.393C>T (NM_004527.3); c.48C>T, p.Gly16= (NM_001040002.2).
Identifiers: ClinVar variation 2146916 (VCV002146916.5), dbSNP rs201255960, ClinGen allele CA8592639.

ClinVar aggregate classification (germline): Benign/Likely benign. Review status: criteria provided, multiple submitters, no conflicts (2 of 4 stars). 2 submissions from 2 submitters: Benign (1); Likely benign (1). Last evaluated 2024-12-24.

Conditions:
MEOX1-related disorder. Also called: MEOX1-related condition.

Allele frequency attached by ClinVar (database versions not stated): ExAC 0.00015; 1000 Genomes Project 30x 0.00078; 1000 Genomes Project 0.00080.
gnomAD v4.1: 80 of 1,548,918 alleles (0.0052%); highest among the groups gnomAD compares: East Asian, 0.1%; 2 homozygotes.

Submissions (2):

PreventionGenetics, part of Exact Sciences
Classification: Likely benign for MEOX1-related condition. Last evaluated: 2024-12-24. Review status: criteria provided, single submitter. Criteria: ACMG Guidelines, 2015. Collection method: clinical testing. Allele origin: germline.
Comment: This variant is classified as likely benign based on ACMG/AMP sequence variant interpretation guidelines (Richards et al. 2015 PMID: 25741868, with internal and published modifications).

Labcorp Genetics (formerly Invitae), Labcorp
Classification: Benign. Last evaluated: 2024-05-10. Review status: criteria provided, single submitter. Criteria: Invitae Variant Classification Sherloc (09022015). Collection method: clinical testing. Allele origin: germline.